The following is an entry in ClinVar:

NM_032119.4(ADGRV1):c.4148A>G (p.Tyr1383Cys)

Gene: ADGRV1 (adhesion G protein-coupled receptor V1; plus strand). Cytogenetic location: 5q14.3.
Variant type: single nucleotide variant.
Coding change: c.4148A>G on transcript NM_032119.4 (MANE Select); coding-DNA position 4148, A replaced by G.
Protein change: p.Tyr1383Cys; replaces tyrosine 1383 with cysteine.
Molecular consequence: missense variant. On other transcripts: non-coding transcript variant (1).
Genome position (GRCh38, 1-based): chr5:90,653,722, A>G. VCF-style: chr5-90653722-A-G. GRCh37 (hg19) VCF-style: chr5-89949539-A-G.
Other names: short protein forms Y1383C.
Identifiers: ClinVar variation 827822 (VCV000827822.3), dbSNP rs1580609185, ClinGen allele CA360401591.

ClinVar aggregate classification (germline): Conflicting classifications of pathogenicity. Review status: criteria provided, conflicting classifications (1 of 4 stars). 2 submissions from 2 submitters: Pathogenic (1); Uncertain significance (1). Last evaluated 2019-11-13.

Conditions:
Usher syndrome type 2C. Also called: Usher syndrome, type 2B; USHER SYNDROME, TYPE IIC. Identifiers: Orphanet 231178, Orphanet 886, MedGen C2931213, MONDO:0011558, OMIM 605472.

Allele frequency attached by ClinVar (database versions not stated): gnomAD exomes below 0.00001.
gnomAD v4.1: 1 of 1,613,080 alleles (0.000062%); highest among the groups gnomAD compares: Non-Finnish European, 0.000085%; no homozygotes.

Submissions (2):

Women's Health and Genetics/Laboratory Corporation of America, LabCorp
Classification: Uncertain significance. Last evaluated: 2019-11-13. Review status: criteria provided, single submitter. Criteria: LabCorp Variant Classification Summary - May 2015. Collection method: clinical testing. Allele origin: germline.
Comment: Variant summary: ADGRV1 (also known as GPR98) c.4148A>G (p.Tyr1383Cys) results in a non-conservative amino acid change in the encoded protein sequence. Five of five in-silico tools predict a damaging effect of the variant on protein function. The variant was absent in 246212 control chromosomes (gnomAD). The available data on variant occurrences in the general population are insufficient to allow any conclusion about variant significance. To our knowledge, no occurrence of c.4148A>G in individuals affected with ADGRV1-Related Disorders and no experimental evidence demonstrating its impact on protein function have been reported. No clinical diagnostic laboratories have submitted clinical-significance assessments for this variant to ClinVar after 2014. Based on the evidence outlined above, the variant was classified as uncertain significance.

Equipe Genetique des Anomalies du Developpement, Université de Bourgogne
Classification: Pathogenic for Usher syndrome type 2C. Last evaluated: 2019-08-08. Review status: criteria provided, single submitter. Criteria: ACMG Guidelines, 2015. Collection method: clinical testing. Allele origin: paternal. Affected: yes.